The following is an entry in ClinVar:

ClinVar aggregate classification (germline): Benign (1 of 4 stars; one submission).

Allele frequency attached by ClinVar (database versions not stated): gnomAD 0.93047 and 0.93126; TOPMed 0.93311; 1000 Genomes Project 30x 0.95206; 1000 Genomes Project 0.95327.
gnomAD v4.1: 141,868 of 152,314 alleles (93%); highest among the groups gnomAD compares: East Asian, 100%; 66,230 homozygotes.

Submission:

GeneDx
Classification: Benign. Last evaluated: 2018-06-14. Review status: criteria provided, single submitter. Criteria: GeneDx Variant Classification (06012015). Collection method: clinical testing. Allele origin: germline. Affected: yes.
Comment: This variant is considered likely benign or benign based on one or more of the following criteria: it is a conservative change, it occurs at a poorly conserved position in the protein, it is predicted to be benign by multiple in silico algorithms, and/or has population frequency not consistent with disease.

NM_182961.4(SYNE1):c.3504+233A>G

Gene: SYNE1 (spectrin repeat containing nuclear envelope protein 1; minus strand). Cytogenetic location: 6q25.2.
Variant type: single nucleotide variant.
Coding change: c.3504+233A>G on transcript NM_182961.4 (MANE Select); 233 bases into the intron after coding-DNA position 3504, A replaced by G.
Molecular consequence: intron variant.
Genome position (GRCh38, 1-based): chr6:152,449,300, T>C on the plus strand (A>G on the coding strand, the complement: SYNE1 is on the minus strand). VCF-style: chr6-152449300-T-C. GRCh37 (hg19) VCF-style: chr6-152770435-T-C.
Other names: c.3525+233A>G (NM_033071.5).
Identifiers: ClinVar variation 670153 (VCV000670153.1), dbSNP rs214977, ClinGen allele CA12433788.